The following is an entry in ClinVar:

ClinVar aggregate classification (germline): Uncertain significance (1 of 4 stars; one submission).

Conditions:
Type 2 diabetes mellitus. Also called: Type II diabetes mellitus. Identifiers: MedGen C0011860, MeSH D003924, MONDO:0005148, OMIM 125853, HP:0005978.

Submission:

Juno Genomics, Hangzhou Juno Genomics, Inc
Classification: Uncertain significance for Type 2 diabetes mellitus. Review status: criteria provided, single submitter. Criteria: ACMG Guidelines, 2015. Collection method: clinical testing. Allele origin: germline.
Comment: Absent from controls (or at extremely low frequency if recessive) in Genome Aggregation Database.;Multiple lines of computational evidence support a deleterious effect on the gene or gene product.

NM_002827.4(PTPN1):c.668G>A (p.Gly223Glu)

Gene: PTPN1 (protein tyrosine phosphatase non-receptor type 1; plus strand). Cytogenetic location: 20q13.13.
Variant type: single nucleotide variant.
Coding change: c.668G>A on transcript NM_002827.4 (MANE Select); coding-DNA position 668, G replaced by A.
Protein change: p.Gly223Glu; replaces glycine 223 with glutamic acid.
Molecular consequence: missense variant.
Genome position (GRCh38, 1-based): chr20:50,578,595, G>A. VCF-style: chr20-50578595-G-A. GRCh37 (hg19) VCF-style: chr20-49195132-G-A.
Other names: c.449G>A, p.Gly150Glu (NM_001278618.2); short protein forms G150E, G223E.
Identifiers: ClinVar variation 5006388 (VCV005006388.2).